The following is an entry in ClinVar:

ClinVar aggregate classification (germline): Uncertain significance (1 of 4 stars; one submission).

Conditions:
SEMA3E-related disorder. Also called: SEMA3E-related condition.

gnomAD v4.1: 1 of 1,612,856 alleles (0.000062%); highest among the groups gnomAD compares: Non-Finnish European, 0.000085%; no homozygotes.

Submission:

PreventionGenetics, part of Exact Sciences
Classification: Uncertain significance for SEMA3E-related condition. Last evaluated: 2025-03-19. Review status: criteria provided, single submitter. Criteria: ACMG Guidelines, 2015. Collection method: clinical testing. Allele origin: germline.
Comment: The SEMA3E c.1345G>A variant is predicted to result in the amino acid substitution p.Asp449Asn. To our knowledge, this variant has not been reported in the literature or in a large population database (gnomAD), indicating this variant is rare. At this time, the clinical significance of this variant is uncertain due to the absence of conclusive functional and genetic evidence.

NM_012431.3(SEMA3E):c.1345G>A (p.Asp449Asn)

Gene: SEMA3E (semaphorin 3E; minus strand). Cytogenetic location: 7q21.11.
Variant type: single nucleotide variant.
Coding change: c.1345G>A on transcript NM_012431.3 (MANE Select); coding-DNA position 1345, G replaced by A.
Protein change: p.Asp449Asn; replaces aspartic acid 449 with asparagine.
Molecular consequence: missense variant.
Genome position (GRCh38, 1-based): chr7:83,400,049, C>T on the plus strand (G>A on the coding strand, the complement: SEMA3E is on the minus strand). VCF-style: chr7-83400049-C-T. GRCh37 (hg19) VCF-style: chr7-83029365-C-T.
Other names: c.1165G>A, p.Asp389Asn (NM_001178129.2); short protein forms D449N, D389N.
Identifiers: ClinVar variation 4999156 (VCV004999156.1).